The following is an entry in ClinVar:

NM_020117.11(LARS1):c.1878-41TA[8]

Gene: LARS1 (leucyl-tRNA synthetase 1; minus strand). Cytogenetic location: 5q32.
Variant type: Microsatellite.
Coding change: c.1878-41TA[8] on transcript NM_020117.11 (MANE Select); eight copies in a row of the 2-base unit TA starting at c.1878-41; the reference has seven copies in a row; one copy, 2 bases duplicated.
Molecular consequence: intron variant.
Genome position (GRCh38, 1-based): chr5:146,143,112-146,143,113, TA duplicated on the plus strand (TA on the coding strand, the reverse complement: LARS1 is on the minus strand); duplicating any 2 consecutive bases within chr5:146,143,112-146,143,126 gives the same sequence; the position shown is the placement nearest the transcript's 3' end. VCF-style (leftmost placement, unchanged base first): chr5-146143111-T-TTA. GRCh37 (hg19) VCF-style: chr5-145522674-T-TTA.
Other names: c.1716-41TA[8] (NM_001317965.2); c.1797-41TA[8] (NM_016460.4); c.1740-41TA[8] (NM_001317964.2).
Identifiers: ClinVar variation 675478 (VCV000675478.1), dbSNP rs3840516, ClinGen allele CA3489478.
Genomic context (GRCh38, chr5:146,143,111, plus strand): 5'-ATAATCCCAAACTTCCTTGGTCATCTGTTGCGGTCTGTATTAAAAATAAAACAAACTATT[T>TTA]TATATATATATATATGTAATTTCTTTGGAAGAATCAGTACCTGAATCGAAACATGGATTA-3'

ClinVar aggregate classification (germline): Likely benign (1 of 4 stars; one submission).

Submission:

GeneDx
Classification: Likely benign. Last evaluated: 2018-06-16. Review status: criteria provided, single submitter. Criteria: GeneDx Variant Classification (06012015). Collection method: clinical testing. Allele origin: germline. Affected: yes.
Comment: This variant is considered likely benign or benign based on one or more of the following criteria: it is a conservative change, it occurs at a poorly conserved position in the protein, it is predicted to be benign by multiple in silico algorithms, and/or has population frequency not consistent with disease.